The following is an entry in ClinVar:

ClinVar aggregate classification (germline): Uncertain significance (1 of 4 stars; one submission).

Conditions:
Intellectual disability, autosomal recessive 53 (NEDHSCA). Also called: NEURODEVELOPMENTAL DISORDER WITH OR WITHOUT HYPOTONIA, SEIZURES, AND CEREBELLAR ATROPHY; GLYCOSYLPHOSPHATIDYLINOSITOL BIOSYNTHESIS DEFECT 13; Mental retardation, autosomal recessive 53. Identifiers: Orphanet 488635, MedGen C4310794, MONDO:0014832, OMIM 616917.

Allele frequency attached by ClinVar (database versions not stated): TOPMed below 0.00001; gnomAD 0.00001.

Submission:

Labcorp Genetics (formerly Invitae), Labcorp
Classification: Uncertain significance for Intellectual disability, autosomal recessive 53. Last evaluated: 2022-07-25. Review status: criteria provided, single submitter. Criteria: Invitae Variant Classification Sherloc (09022015). Collection method: clinical testing. Allele origin: germline.
Comment: In summary, the available evidence is currently insufficient to determine the role of this variant in disease. Therefore, it has been classified as a Variant of Uncertain Significance. Algorithms developed to predict the effect of missense changes on protein structure and function are either unavailable or do not agree on the potential impact of this missense change (SIFT: "Tolerated"; PolyPhen-2: "Probably Damaging"; Align-GVGD: "Class C0"). This variant has not been reported in the literature in individuals affected with PIGG-related conditions. This variant is not present in population databases (gnomAD no frequency). This sequence change replaces glycine, which is neutral and non-polar, with serine, which is neutral and polar, at codon 755 of the PIGG protein (p.Gly755Ser).

NM_001127178.3(PIGG):c.2263G>A (p.Gly755Ser)

Gene: PIGG (phosphatidylinositol glycan anchor biosynthesis class G (EMM blood group); plus strand). Cytogenetic location: 4p16.3.
Variant type: single nucleotide variant.
Coding change: c.2263G>A on transcript NM_001127178.3 (MANE Select); coding-DNA position 2263, G replaced by A.
Protein change: p.Gly755Ser; replaces glycine 755 with serine.
Molecular consequence: missense variant. On other transcripts: non-coding transcript variant (6).
Genome position (GRCh38, 1-based): chr4:530,437, G>A. VCF-style: chr4-530437-G-A. GRCh37 (hg19) VCF-style: chr4-524226-G-A.
Other names: c.1996G>A, p.Gly666Ser (NM_001289051.2, NM_001345986.2); c.1864G>A, p.Gly622Ser (NM_001289052.2); c.1972G>A, p.Gly658Ser (NM_001345987.2); c.1234G>A, p.Gly412Ser (NM_001345988.2); c.730G>A, p.Gly244Ser (NM_001345990.2, NM_001345991.2); c.1165G>A, p.Gly389Ser (NM_001345994.2); c.2239G>A, p.Gly747Ser (NM_017733.5); short protein forms G244S, G389S, G412S, G622S, G658S, G666S, G747S, G755S.
Identifiers: ClinVar variation 2416747 (VCV002416747.5), dbSNP rs377238522, ClinGen allele CA91071634.
Genomic context (GRCh38, chr4:530,437, plus strand): 5'-ATGTTTTTGAATTTTTCTCACTGGTGCTAATGAATCTAACTTGTTTTGCTCTTTTTTAGG[G>A]GTATTATTGAAGCTCGTTTTGTTTATGTCTTTGTCCTTGGCATTCTGTTCACGGGCACCA-3'
Protein context (NP_001120650.1, residues 745-765): WRPDSKDISK[Gly755Ser]IIEARFVYVF